The following is an entry in ClinVar:

NM_031924.8(RSPH3):c.374G>A (p.Arg125His)

Gene: RSPH3 (radial spoke head 3; minus strand). Cytogenetic location: 6q25.3.
Variant type: single nucleotide variant.
Coding change: c.374G>A on transcript NM_031924.8 (MANE Select); coding-DNA position 374, G replaced by A.
Protein change: p.Arg125His; replaces arginine 125 with histidine.
Molecular consequence: missense variant. On other transcripts: non-coding transcript variant (1), intron variant (1).
Genome position (GRCh38, 1-based): chr6:158,983,780, C>T on the plus strand (G>A on the coding strand, the complement: RSPH3 is on the minus strand). VCF-style: chr6-158983780-C-T. GRCh37 (hg19) VCF-style: chr6-159404812-C-T.
Other names: c.631-1092G>A (NM_001346418.1); c.800G>A (NM_031924.5); short protein forms R125H.
Identifiers: ClinVar variation 475839 (VCV000475839.11), dbSNP rs556783606, ClinGen allele CA4075910.

ClinVar aggregate classification (germline): Conflicting classifications of pathogenicity. Review status: criteria provided, conflicting classifications (1 of 4 stars). 3 submissions from 3 submitters: Uncertain significance (1); Likely benign (2). Last evaluated 2026-01-01.

Conditions:
RSPH3-related disorder. Also called: RSPH3-related condition.
Inborn genetic diseases. Identifiers: MedGen C0950123, MeSH D030342.
Primary ciliary dyskinesia 32. Also called: CILIARY DYSKINESIA, PRIMARY, 32, WITHOUT SITUS INVERSUS. Identifiers: Orphanet 244, MedGen C4225311, MONDO:0014657, OMIM 616481.

Allele frequency attached by ClinVar (database versions not stated): gnomAD 0.00003 and 0.00019; TOPMed 0.00007; 1000 Genomes Project 30x 0.00078; gnomAD exomes 0.00079; ExAC 0.00085; 1000 Genomes Project 0.00100.
gnomAD v4.1: 566 of 1,602,886 alleles (0.035%); highest among the groups gnomAD compares: South Asian, 0.55%; 5 homozygotes.

Submissions (3):

Labcorp Genetics (formerly Invitae), Labcorp
Classification: Likely benign for Primary ciliary dyskinesia 32. Last evaluated: 2026-01-01. Review status: criteria provided, single submitter. Criteria: Invitae Variant Classification Sherloc (09022015). Collection method: clinical testing. Allele origin: germline.

PreventionGenetics, part of Exact Sciences
Classification: Likely benign for RSPH3-related condition. Last evaluated: 2025-04-23. Review status: criteria provided, single submitter. Criteria: ACMG Guidelines, 2015. Collection method: clinical testing. Allele origin: germline.
Comment: This variant is classified as likely benign based on ACMG/AMP sequence variant interpretation guidelines (Richards et al. 2015 PMID: 25741868, with internal and published modifications).

Ambry Genetics
Classification: Uncertain significance for Inborn genetic diseases. Last evaluated: 2024-05-20. Review status: criteria provided, single submitter. Criteria: Ambry Variant Classification Scheme 2023. Collection method: clinical testing. Allele origin: germline.